The following is an entry in ClinVar:

NM_000222.3(KIT):c.512T>C (p.Met171Thr)

Gene: KIT (KIT proto-oncogene, receptor tyrosine kinase; plus strand). Cytogenetic location: 4q12.
Variant type: single nucleotide variant.
Coding change: c.512T>C on transcript NM_000222.3 (MANE Select); coding-DNA position 512, T replaced by C.
Protein change: p.Met171Thr; replaces methionine 171 with threonine.
Molecular consequence: missense variant.
Genome position (GRCh38, 1-based): chr4:54,698,458, T>C. VCF-style: chr4-54698458-T-C. GRCh37 (hg19) VCF-style: chr4-55564624-T-C.
Other names: c.512T>C, p.Met171Thr (NM_001093772.2, NM_001385284.1, NM_001385285.1 and 4 more transcripts); c.512T>C (NM_000222.2); short protein forms M171T.
Identifiers: ClinVar variation 1018895 (VCV001018895.10), dbSNP rs752511532, ClinGen allele CA2923256.

ClinVar aggregate classification (germline): Conflicting classifications of pathogenicity. Review status: criteria provided, conflicting classifications (1 of 4 stars). 2 submissions from 2 submitters: Uncertain significance (1); Likely benign (1). Last evaluated 2024-02-29.

Conditions:
Hereditary cancer-predisposing syndrome. Also called: Tumor predisposition; Neoplastic Syndromes, Hereditary; Hereditary neoplastic syndrome; Hereditary Cancer Syndrome. Identifiers: Orphanet 140162, MedGen C0027672, MeSH D009386, MONDO:0015356.
Gastrointestinal stromal tumor. Also called: Gastrointestinal stromal tumor, somatic; Gastrointestinal stroma tumor. Identifiers: Orphanet 44890, MedGen C0238198, MeSH D046152, MONDO:0011719, OMIM 606764, HP:0100723.

Allele frequency attached by ClinVar (database versions not stated): gnomAD exomes below 0.00001; ExAC 0.00001.

Submissions (2):

Ambry Genetics
Classification: Likely benign for Hereditary cancer-predisposing syndrome. Last evaluated: 2024-02-29. Review status: criteria provided, single submitter. Criteria: Ambry Variant Classification Scheme 2023. Collection method: clinical testing. Allele origin: germline.

Labcorp Genetics (formerly Invitae), Labcorp
Classification: Uncertain significance for Gastrointestinal stromal tumor. Last evaluated: 2023-03-26. Review status: criteria provided, single submitter. Criteria: Invitae Variant Classification Sherloc (09022015). Collection method: clinical testing. Allele origin: germline.
Comment: In summary, the available evidence is currently insufficient to determine the role of this variant in disease. Therefore, it has been classified as a Variant of Uncertain Significance. Algorithms developed to predict the effect of missense changes on protein structure and function output the following: SIFT: "Not Available"; PolyPhen-2: "Benign"; Align-GVGD: "Not Available". The threonine amino acid residue is found in multiple mammalian species, which suggests that this missense change does not adversely affect protein function. ClinVar contains an entry for this variant (Variation ID: 1018895). This variant has not been reported in the literature in individuals affected with KIT-related conditions. This variant is present in population databases (rs752511532, gnomAD 0.006%). This sequence change replaces methionine, which is neutral and non-polar, with threonine, which is neutral and polar, at codon 171 of the KIT protein (p.Met171Thr).